The following is an entry in ClinVar:

NM_004588.5(SCN2B):c.420C>T (p.Gly140=)

Gene: SCN2B (sodium voltage-gated channel beta subunit 2; minus strand). Cytogenetic location: 11q23.3.
Variant type: single nucleotide variant.
Coding change: c.420C>T on transcript NM_004588.5 (MANE Select); coding-DNA position 420, C replaced by T.
Protein change: p.Gly140=; no amino-acid change (glycine 140 retained).
Molecular consequence: synonymous variant.
Genome position (GRCh38, 1-based): chr11:118,168,113, G>A on the plus strand (C>T on the coding strand, the complement: SCN2B is on the minus strand). VCF-style: chr11-118168113-G-A. GRCh37 (hg19) VCF-style: chr11-118038828-G-A.
Identifiers: ClinVar variation 2888742 (VCV002888742.3), dbSNP rs1248646475, ClinGen allele CA477080410.

ClinVar aggregate classification (germline): Uncertain significance (1 of 4 stars; one submission).

Conditions:
Atrial fibrillation, familial, 14 (ATFB14). Identifiers: MedGen C3809312, MONDO:0014156, OMIM 615378.

Allele frequency attached by ClinVar (database versions not stated): TOPMed below 0.00001; gnomAD 0.00001.
gnomAD v4.1: 23 of 1,613,982 alleles (0.0014%); highest among the groups gnomAD compares: Non-Finnish European, 0.0019%; no homozygotes.

Submission:

Labcorp Genetics (formerly Invitae), Labcorp
Classification: Uncertain significance for Atrial fibrillation, familial, 14. Last evaluated: 2023-06-25. Review status: criteria provided, single submitter. Criteria: Invitae Variant Classification Sherloc (09022015). Collection method: clinical testing. Allele origin: germline.
Comment: In summary, the available evidence is currently insufficient to determine the role of this variant in disease. Therefore, it has been classified as a Variant of Uncertain Significance. Algorithms developed to predict the effect of sequence changes on RNA splicing suggest that this variant may disrupt the consensus splice site. This variant has not been reported in the literature in individuals affected with SCN2B-related conditions. This variant is not present in population databases (gnomAD no frequency). This sequence change affects codon 140 of the SCN2B mRNA. It is a 'silent' change, meaning that it does not change the encoded amino acid sequence of the SCN2B protein.